The following is an entry in ClinVar:

NM_001374828.1(ARID1B):c.3920-9_3932dup

Gene: ARID1B (AT-rich interaction domain 1B; plus strand). Cytogenetic location: 6q25.3.
Variant type: Duplication.
Coding change: c.3920-9_3932dup on transcript NM_001374828.1 (MANE Select); 9 bases into the intron before coding-DNA position 3920 through coding-DNA position 3932, 22 bases duplicated (TACTATCAGCTAACTCGGGATC).
Molecular consequence: splice acceptor variant.
Genome position (GRCh38, 1-based): chr6:157,189,633-157,189,654, TACTATCAGCTAACTCGGGATC duplicated; duplicating any 22 consecutive bases within chr6:157,189,632-157,189,654 gives the same sequence; the c. name uses the placement nearest the transcript's 3' end. VCF-style (leftmost placement, unchanged base first): chr6-157189631-G-GCTACTATCAGCTAACTCGGGAT. GRCh37 (hg19) VCF-style: chr6-157510765-G-GCTACTATCAGCTAACTCGGGAT.
Other names: c.3800-9_3812dup (NM_001371656.1, NM_001374820.1); c.3761-9_3773dup (NM_017519.3); c.1421-9_1433dup (NM_001363725.2).
Identifiers: ClinVar variation 3364663 (VCV003364663.1).

ClinVar aggregate classification (germline): Uncertain significance (1 of 4 stars; one submission).

Submission:

GeneDx
Classification: Uncertain significance. Last evaluated: 2023-11-29. Review status: criteria provided, single submitter. Criteria: GeneDx Variant Classification Process June 2021. Collection method: clinical testing. Allele origin: germline. Affected: yes.
Comment: Not observed at significant frequency in large population cohorts (gnomAD); Has not been previously published as pathogenic or benign to our knowledge; In silico analysis is inconclusive as to whether the variant alters gene splicing. In the absence of RNA/functional studies, the actual effect of this sequence change is unknown.